The following is an entry in ClinVar:

ClinVar aggregate classification (germline): Uncertain significance (1 of 4 stars; one submission).

gnomAD v4.1: 3 of 1,612,424 alleles (0.00019%); highest among the groups gnomAD compares: African/African-American, 0.004%; no homozygotes.

Submission:

Labcorp Genetics (formerly Invitae), Labcorp
Classification: Uncertain significance. Last evaluated: 2025-10-11. Review status: criteria provided, single submitter. Criteria: Invitae Variant Classification Sherloc (09022015). Collection method: clinical testing. Allele origin: germline.
Comment: This sequence change replaces asparagine, which is neutral and polar, with serine, which is neutral and polar, at codon 4 of the TBXA2R protein (p.Asn4Ser). This variant is present in population databases (rs201218401, gnomAD 0.02%). This variant has not been reported in the literature in individuals affected with TBXA2R-related conditions. ClinVar contains an entry for this variant (Variation ID: 3680789). An algorithm developed to predict the effect of missense changes on protein structure and function (PolyPhen-2) suggests that this variant is likely to be disruptive. In summary, the available evidence is currently insufficient to determine the role of this variant in disease. Therefore, it has been classified as a Variant of Uncertain Significance.

NM_001060.6(TBXA2R):c.11A>G (p.Asn4Ser)

Gene: TBXA2R (thromboxane A2 receptor; minus strand). Cytogenetic location: 19p13.3.
Variant type: single nucleotide variant.
Coding change: c.11A>G on transcript NM_001060.6 (MANE Select); coding-DNA position 11, A replaced by G.
Protein change: p.Asn4Ser; replaces asparagine 4 with serine.
Molecular consequence: missense variant.
Genome position (GRCh38, 1-based): chr19:3,600,624, T>C on the plus strand (A>G on the coding strand, the complement: TBXA2R is on the minus strand). VCF-style: chr19-3600624-T-C. GRCh37 (hg19) VCF-style: chr19-3600622-T-C.
Other names: c.11A>G, p.Asn4Ser (NM_201636.3); short protein forms N4S.
Identifiers: ClinVar variation 3680789 (VCV003680789.2).